The following is an entry in ClinVar:

NC_000015.9:g.(?_99192811)_(99505828_?)del

Gene: IGF1R (insulin like growth factor 1 receptor; plus strand). Cytogenetic location: 15q26.3.
Variant type: Deletion.
Identifiers: ClinVar variation 3243861 (VCV003243861.1).

ClinVar aggregate classification (germline): Pathogenic (1 of 4 stars; one submission).

Submission:

Labcorp Genetics (formerly Invitae), Labcorp
Classification: Pathogenic. Last evaluated: 2023-03-04. Review status: criteria provided, single submitter. Criteria: Invitae Variant Classification Sherloc (09022015). Collection method: clinical testing. Allele origin: unknown.
Comment: For these reasons, this variant has been classified as Pathogenic. This variant has not been reported in the literature in individuals affected with IGF1R-related conditions. A gross deletion of the genomic region encompassing the full coding sequence of the IGF1R gene has been identified. Loss-of-function variants in IGF1R are known to be pathogenic (PMID: 14657428). The boundaries of this event are unknown as they extend beyond the assayed region for this gene and therefore may encompass additional genes.

Literature cited by the submitters: PubMed 14657428.